The following is an entry in ClinVar:

NM_001046.3(SLC12A2):c.442G>A (p.Ala148Thr)

Gene: SLC12A2 (solute carrier family 12 member 2; plus strand). Cytogenetic location: 5q23.3.
Variant type: single nucleotide variant.
Coding change: c.442G>A on transcript NM_001046.3 (MANE Select); coding-DNA position 442, G replaced by A.
Protein change: p.Ala148Thr; replaces alanine 148 with threonine.
Molecular consequence: missense variant. On other transcripts: non-coding transcript variant (1).
Genome position (GRCh38, 1-based): chr5:128,084,396, G>A. VCF-style: chr5-128084396-G-A. GRCh37 (hg19) VCF-style: chr5-127420088-G-A.
Other names: c.442G>A, p.Ala148Thr (NM_001256461.2); short protein forms A148T.
Identifiers: ClinVar variation 4772411 (VCV004772411.1).
Genomic context (GRCh38, chr5:128,084,396, plus strand): 5'-CCGGCTAAAGGCAGCGAGGAAGCCAAGGGCCGCTTCCGCGTGAACTTCGTGGACCCAGCT[G>A]CCTCCTCGTCGGCTGAAGACAGCCTGTCAGATGCTGCCGGGGTCGGAGTCGACGGGCCCA-3'
Protein context (NP_001037.1, residues 138-158): RFRVNFVDPA[Ala148Thr]SSSAEDSLSD

ClinVar aggregate classification (germline): Uncertain significance (1 of 4 stars; one submission).

gnomAD v4.1: 2 of 1,610,086 alleles (0.00012%); highest among the groups gnomAD compares: South Asian, 0.0022%; no homozygotes.

Submission:

Labcorp Genetics (formerly Invitae), Labcorp
Classification: Uncertain significance. Last evaluated: 2025-10-07. Review status: criteria provided, single submitter. Criteria: Invitae Variant Classification Sherloc (09022015). Collection method: clinical testing. Allele origin: germline.
Comment: This sequence change replaces alanine, which is neutral and non-polar, with threonine, which is neutral and polar, at codon 148 of the SLC12A2 protein (p.Ala148Thr). This variant is not present in population databases (gnomAD no frequency). This variant has not been reported in the literature in individuals affected with SLC12A2-related conditions. Invitae Evidence Modeling of protein sequence and biophysical properties (such as structural, functional, and spatial information, amino acid conservation, physicochemical variation, residue mobility, and thermodynamic stability) indicates that this missense variant is not expected to disrupt SLC12A2 protein function with a negative predictive value of 95%. In summary, the available evidence is currently insufficient to determine the role of this variant in disease. Therefore, it has been classified as a Variant of Uncertain Significance.